The following is an entry in ClinVar:

NM_005219.5(DIAPH1):c.634C>T (p.Arg212Trp)

Gene: DIAPH1 (diaphanous related formin 1; minus strand). Cytogenetic location: 5q31.3.
Variant type: single nucleotide variant.
Coding change: c.634C>T on transcript NM_005219.5 (MANE Select); coding-DNA position 634, C replaced by T.
Protein change: p.Arg212Trp; replaces arginine 212 with tryptophan.
Molecular consequence: missense variant.
Genome position (GRCh38, 1-based): chr5:141,582,362, G>A on the plus strand (C>T on the coding strand, the complement: DIAPH1 is on the minus strand). VCF-style: chr5-141582362-G-A. GRCh37 (hg19) VCF-style: chr5-140961929-G-A.
Other names: p.Arg212Trp; c.607C>T, p.Arg203Trp (NM_001079812.3); c.634C>T, p.Arg212Trp (NM_001314007.2); c.634C>T (NM_005219.4); short protein forms R203W, R212W.
Identifiers: ClinVar variation 1498302 (VCV001498302.9), dbSNP rs769781925, ClinGen allele CA3479528.

ClinVar aggregate classification (germline): Uncertain significance. Review status: criteria provided, multiple submitters, no conflicts (2 of 4 stars). 2 submissions from 2 submitters: Uncertain significance (2). Last evaluated 2024-05-27.

Conditions:
Autosomal dominant nonsyndromic hearing loss 1. Also called: KONIGSMARK SYNDROME; DEAFNESS, AUTOSOMAL DOMINANT 1, WITH OR WITHOUT THROMBOCYTOPENIA. Identifiers: Orphanet 90635, MedGen C1852282, MONDO:0007424, OMIM 124900.
Progressive microcephaly-seizures-cortical blindness-developmental delay syndrome. Also called: Seizures, cortical blindness, and microcephaly syndrome. Identifiers: Orphanet 477814, MedGen C5567650, MONDO:0014714, OMIM 616632.

Allele frequency attached by ClinVar (database versions not stated): gnomAD exomes below 0.00001; TOPMed below 0.00001; ExAC 0.00001.
gnomAD v4.1: 5 of 1,613,170 alleles (0.00031%); highest among the groups gnomAD compares: African/African-American, 0.0013%; no homozygotes.

Submissions (2):

Labcorp Genetics (formerly Invitae), Labcorp
Classification: Uncertain significance for Progressive microcephaly-seizures-cortical blindness-developmental delay syndrome; Autosomal dominant nonsyndromic hearing loss 1. Last evaluated: 2024-05-27. Review status: criteria provided, single submitter. Criteria: Invitae Variant Classification Sherloc (09022015). Collection method: clinical testing. Allele origin: germline.
Comment: This sequence change replaces arginine, which is basic and polar, with tryptophan, which is neutral and slightly polar, at codon 212 of the DIAPH1 protein (p.Arg212Trp). This variant is present in population databases (rs769781925, gnomAD 0.004%). This variant has not been reported in the literature in individuals affected with DIAPH1-related conditions. ClinVar contains an entry for this variant (Variation ID: 1498302). Experimental studies and prediction algorithms are not available or were not evaluated, and the functional significance of this variant is currently unknown. In summary, the available evidence is currently insufficient to determine the role of this variant in disease. Therefore, it has been classified as a Variant of Uncertain Significance.

Mayo Clinic Laboratories, Mayo Clinic
Classification: Uncertain significance. Last evaluated: 2022-07-29. Review status: criteria provided, single submitter. Criteria: ACMG Guidelines, 2015. Collection method: clinical testing. Allele origin: germline. Observed: 1 variant allele.
Comment: PP3, PM2